The following is an entry in ClinVar:

NM_194248.3(OTOF):c.51C>T (p.Gly17=)

Gene: OTOF (otoferlin; minus strand). Cytogenetic location: 2p23.3.
Variant type: single nucleotide variant.
Coding change: c.51C>T on transcript NM_194248.3 (MANE Select); coding-DNA position 51, C replaced by T.
Protein change: p.Gly17=; no amino-acid change (glycine 17 retained).
Molecular consequence: synonymous variant.
Genome position (GRCh38, 1-based): chr2:26,558,521, G>A on the plus strand (C>T on the coding strand, the complement: OTOF is on the minus strand). VCF-style: chr2-26558521-G-A. GRCh37 (hg19) VCF-style: chr2-26781389-G-A.
Other names: c.51C>T, p.Gly17= (NM_001287489.2).
Identifiers: ClinVar variation 48257 (VCV000048257.58), dbSNP rs142333075, ClinGen allele CA142928.

ClinVar aggregate classification (germline): Conflicting classifications of pathogenicity. Review status: criteria provided, conflicting classifications (1 of 4 stars). 7 submissions from 7 submitters: Uncertain significance (1); Benign (4); Likely benign (1). 1 of the submissions does not count toward it. Last evaluated 2026-01-28.

Conditions:
OTOF-related disorder. Also called: OTOF-related condition.
Autosomal recessive nonsyndromic hearing loss 9. Also called: NEUROSENSORY NONSYNDROMIC RECESSIVE DEAFNESS 9; Deafness, autosomal recessive 9; OTOF-Related Hearing Loss; AUDITORY NEUROPATHY, AUTOSOMAL RECESSIVE, 1, TEMPERATURE-SENSITIVE. Identifiers: Orphanet 90636, MedGen C1832828, MONDO:0010986, OMIM 601071.

Allele frequency attached by ClinVar (database versions not stated): ExAC 0.00078; ESP Exome Variant Server 0.00192; 1000 Genomes Project 0.00260; 1000 Genomes Project 30x 0.00265; TOPMed 0.00267.
gnomAD v4.1: 867 of 1,613,968 alleles (0.054%); highest among the groups gnomAD compares: African/African-American, 0.85%; 8 homozygotes.

Submissions (7):

Labcorp Genetics (formerly Invitae), Labcorp
Classification: Benign. Last evaluated: 2026-01-28. Review status: criteria provided, single submitter. Criteria: Invitae Variant Classification Sherloc (09022015). Collection method: clinical testing. Allele origin: germline.

CeGaT Center for Human Genetics Tuebingen
Classification: Likely benign. Last evaluated: 2021-03-01. Review status: criteria provided, single submitter. Criteria: CeGaT Center For Human Genetics Tuebingen Variant Classification Criteria Version 2. Collection method: clinical testing. Allele origin: germline. Affected: yes. Observed: 1 variant allele.

GeneDx
Classification: Benign. Last evaluated: 2020-04-08. Review status: criteria provided, single submitter. Criteria: GeneDx Variant Classification Process June 2021. Collection method: clinical testing. Allele origin: germline. Affected: yes.
Comment: This variant is associated with the following publications: (PMID: 19461658)

Illumina Laboratory Services, Illumina
Classification: Uncertain significance for Autosomal recessive nonsyndromic hearing loss 9. Last evaluated: 2018-01-13. Review status: criteria provided, single submitter. Criteria: ICSL Variant Classification Criteria 13 December 2019. Collection method: clinical testing. Allele origin: germline.

Eurofins Ntd Llc (ga)
Classification: Benign. Last evaluated: 2015-07-08. Review status: criteria provided, single submitter. Criteria: EGL Classification Definitions 2015. Collection method: clinical testing. Allele origin: germline. Observed: 1 variant allele, 1 heterozygote.

Laboratory for Molecular Medicine, Mass General Brigham Personalized Medicine
Classification: Benign. Last evaluated: 2012-05-15. Review status: criteria provided, single submitter. Criteria: LMM Criteria. Collection method: clinical testing. Allele origin: germline. Observed: 5 variant alleles.
Comment: Gly17Gly in Exon 01 of OTOF: This variant is not expected to have clinical signi ficance because it does not alter an amino acid residue, is not located within t he splice consensus sequence, and has been identified in 0.5% (17/3738) of Afric an American chromosomes from a broad population by the NHLBI Exome Sequencing Pr oject (dbSNP rs142333075).

PreventionGenetics, part of Exact Sciences
Classification: Benign for OTOF-related condition. Last evaluated: 2021-01-13. Review status: no assertion criteria provided. Collection method: clinical testing. Allele origin: germline. Not counted in ClinVar's aggregate classification.
Comment: This variant is classified as benign based on ACMG/AMP sequence variant interpretation guidelines (Richards et al. 2015 PMID: 25741868, with internal and published modifications).